The following is an entry in ClinVar:

NM_001164508.2(NEB):c.6254C>T (p.Pro2085Leu)

Gene: NEB (nebulin; minus strand). Cytogenetic location: 2q23.3.
Variant type: single nucleotide variant.
Coding change: c.6254C>T on transcript NM_001164508.2 (MANE Select); coding-DNA position 6254, C replaced by T.
Protein change: p.Pro2085Leu; replaces proline 2085 with leucine.
Molecular consequence: missense variant.
Genome position (GRCh38, 1-based): chr2:151,656,394, G>A on the plus strand (C>T on the coding strand, the complement: NEB is on the minus strand). VCF-style: chr2-151656394-G-A. GRCh37 (hg19) VCF-style: chr2-152512908-G-A.
Other names: p.Pro2085Leu; c.6254C>T, p.Pro2085Leu (NM_001164507.2, NM_001271208.2, NM_004543.5); short protein forms P2085L.
Identifiers: ClinVar variation 1693825 (VCV001693825.8), dbSNP rs773025267, ClinGen allele CA1910138.

ClinVar aggregate classification (germline): Uncertain significance. Review status: criteria provided, multiple submitters, no conflicts (2 of 4 stars). 3 submissions from 3 submitters: Uncertain significance (3). Last evaluated 2022-04-02.

Conditions:
Nemaline myopathy 2 (NEM2). Also called: Nemaline myopathy 2, autosomal recessive. Identifiers: MedGen C1850569, MONDO:0009725, OMIM 256030.
Arthrogryposis multiplex congenita 6. Identifiers: MedGen C5543431, MONDO:0030281, OMIM 619334.

Allele frequency attached by ClinVar (database versions not stated): gnomAD exomes below 0.00001; ExAC 0.00001.
gnomAD v4.1: 1 of 1,613,296 alleles (0.000062%); no homozygotes.

Submissions (3):

Labcorp Genetics (formerly Invitae), Labcorp
Classification: Uncertain significance for Nemaline myopathy 2. Last evaluated: 2022-04-02. Review status: criteria provided, single submitter. Criteria: Invitae Variant Classification Sherloc (09022015). Collection method: clinical testing. Allele origin: germline.
Comment: This sequence change replaces proline, which is neutral and non-polar, with leucine, which is neutral and non-polar, at codon 2085 of the NEB protein (p.Pro2085Leu). This variant is present in population databases (rs773025267, gnomAD 0.004%). This variant has not been reported in the literature in individuals affected with NEB-related conditions. Algorithms developed to predict the effect of missense changes on protein structure and function are either unavailable or do not agree on the potential impact of this missense change (SIFT: "Deleterious"; PolyPhen-2: "Not Available"; Align-GVGD: "Class C0"). In summary, the available evidence is currently insufficient to determine the role of this variant in disease. Therefore, it has been classified as a Variant of Uncertain Significance.

Mayo Clinic Laboratories, Mayo Clinic
Classification: Uncertain significance. Last evaluated: 2021-07-07. Review status: criteria provided, single submitter. Criteria: ACMG Guidelines, 2015. Collection method: clinical testing. Allele origin: germline.

Juno Genomics, Hangzhou Juno Genomics, Inc
Classification: Uncertain significance for Arthrogryposis multiplex congenita 6; Nemaline myopathy 2. Review status: criteria provided, single submitter. Criteria: ACMG Guidelines, 2015. Collection method: clinical testing. Allele origin: germline.
Comment: Absent from controls (or at extremely low frequency if recessive) in Genome Aggregation Database.;Multiple lines of computational evidence support a deleterious effect on the gene or gene product.